The following is an entry in ClinVar:

NM_001386298.1(CIC):c.2599G>A (p.Val867Met)

Gene: CIC (capicua transcriptional repressor; plus strand). Cytogenetic location: 19q13.2.
Variant type: single nucleotide variant.
Coding change: c.2599G>A on transcript NM_001386298.1 (MANE Select); coding-DNA position 2599, G replaced by A.
Protein change: p.Val867Met; replaces valine 867 with methionine.
Molecular consequence: missense variant.
Genome position (GRCh38, 1-based): chr19:42,274,382, G>A. VCF-style: chr19-42274382-G-A. GRCh37 (hg19) VCF-style: chr19-42778534-G-A.
Other names: c.2599G>A, p.Val867Met (NM_001304815.2, NM_001379480.1, NM_001379482.1); short protein forms V867M.
Identifiers: ClinVar variation 1675747 (VCV001675747.33), dbSNP rs574366803, ClinGen allele CA308616062.

ClinVar aggregate classification (germline): Uncertain significance (1 of 4 stars; one submission).

Allele frequency attached by ClinVar (database versions not stated): TOPMed 0.00005; gnomAD 0.00006 and 0.00007; gnomAD exomes 0.00006; 1000 Genomes Project 30x 0.00031; 1000 Genomes Project 0.00040.
gnomAD v4.1: 25 of 398,934 alleles (0.0063%); highest among the groups gnomAD compares: Non-Finnish European, 0.0093%; no homozygotes.

Submission:

CeGaT Center for Human Genetics Tuebingen
Classification: Uncertain significance. Last evaluated: 2023-07-01. Review status: criteria provided, single submitter. Criteria: CeGaT Center For Human Genetics Tuebingen Variant Classification Criteria Version 2. Collection method: clinical testing. Allele origin: germline. Affected: yes. Observed: 2 variant alleles.
Comment: CIC: PS4:Supporting